The following is an entry in ClinVar:

NM_000444.6(PHEX):c.187+9_187+10del

Gene: PHEX (phosphate regulating endopeptidase X-linked; plus strand). Cytogenetic location: Xp22.11.
Variant type: Microsatellite.
Coding change: c.187+9_187+10del on transcript NM_000444.6 (MANE Select); bases 9 to 10 of the intron after coding-DNA position 187, 2 bases deleted (CA; older notation c.187+9_187+10delCA).
Molecular consequence: intron variant.
Genome position (GRCh38, 1-based): chrX:22,038,546-22,038,547, CA deleted; deleting any 2 consecutive bases within chrX:22,038,544-22,038,547 gives the same sequence; the c. name uses the placement nearest the transcript's 3' end. VCF-style (leftmost placement, unchanged base first): chrX-22038543-TCA-T. GRCh37 (hg19) VCF-style: chrX-22056661-TCA-T.
Other names: c.187+9_187+10delCA (NM_000444.5); c.187+9_187+10del (NM_001282754.2).
Identifiers: ClinVar variation 2732314 (VCV002732314.5), dbSNP rs777347194, ClinGen allele CA10367987.

ClinVar aggregate classification (germline): Benign/Likely benign. Review status: criteria provided, multiple submitters, no conflicts (2 of 4 stars). 3 submissions from 3 submitters: Benign (1); Likely benign (1). 1 of the submissions does not count toward it. Last evaluated 2025-08-04.

Conditions:
PHEX-related disorder. Also called: PHEX-related condition.

Submissions (3):

Labcorp Genetics (formerly Invitae), Labcorp
Classification: Benign. Last evaluated: 2025-08-04. Review status: criteria provided, single submitter. Criteria: Invitae Variant Classification Sherloc (09022015). Collection method: clinical testing. Allele origin: germline.

Blueprint Genetics
Classification: Likely benign. Last evaluated: 2024-11-20. Review status: criteria provided, single submitter. Criteria: ACMG Guidelines, 2015. Collection method: clinical testing. Allele origin: germline.

PreventionGenetics, part of Exact Sciences
Classification: Likely benign for PHEX-related condition. Last evaluated: 2024-04-10. Review status: no assertion criteria provided. Collection method: clinical testing. Allele origin: germline. Not counted in ClinVar's aggregate classification.
Comment: This variant is classified as likely benign based on ACMG/AMP sequence variant interpretation guidelines (Richards et al. 2015 PMID: 25741868, with internal and published modifications).